The following is an entry in ClinVar:

ClinVar aggregate classification (germline): Benign/Likely benign. Review status: criteria provided, multiple submitters, no conflicts (2 of 4 stars). 5 submissions from 5 submitters: Benign (2); Likely benign (2). 1 of the submissions does not count toward it. Last evaluated 2026-08-01.

Conditions:
Epilepsy, familial focal, with variable foci 3 (FFEVF3). Identifiers: MedGen C4310708, MONDO:0014925, OMIM 617118.
NPRL3-related disorder. Also called: NPRL3-related condition.

Allele frequency attached by ClinVar (database versions not stated): gnomAD exomes 0.00032; ExAC 0.00050; 1000 Genomes Project 0.00060; 1000 Genomes Project 30x 0.00062; gnomAD 0.00127 and 0.00141; TOPMed 0.00137; ESP Exome Variant Server 0.00151.

Submissions (5):

CeGaT Center for Human Genetics Tuebingen
Classification: Likely benign. Last evaluated: 2026-08-01. Review status: criteria provided, single submitter. Criteria: CeGaT Center For Human Genetics Tuebingen Variant Classification Criteria Version 2. Collection method: clinical testing. Allele origin: germline. Affected: yes. Observed: 1 variant allele.
Comment: NPRL3: BP4, BS1

Labcorp Genetics (formerly Invitae), Labcorp
Classification: Benign for Epilepsy, familial focal, with variable foci 3. Last evaluated: 2026-01-26. Review status: criteria provided, single submitter. Criteria: Invitae Variant Classification Sherloc (09022015). Collection method: clinical testing. Allele origin: germline.

Blueprint Genetics
Classification: Likely benign. Last evaluated: 2022-12-22. Review status: criteria provided, single submitter. Criteria: ACMG Guidelines, 2015. Collection method: clinical testing. Allele origin: germline.

GeneDx
Classification: Benign. Last evaluated: 2020-03-10. Review status: criteria provided, single submitter. Criteria: GeneDx Variant Classification Process June 2021. Collection method: clinical testing. Allele origin: germline. Affected: yes.

PreventionGenetics, part of Exact Sciences
Classification: Benign for NPRL3-related condition. Last evaluated: 2022-03-28. Review status: no assertion criteria provided. Collection method: clinical testing. Allele origin: germline. Not counted in ClinVar's aggregate classification.
Comment: This variant is classified as benign based on ACMG/AMP sequence variant interpretation guidelines (Richards et al. 2015 PMID: 25741868, with internal and published modifications).

NM_001077350.3(NPRL3):c.652C>T (p.Arg218Trp)

Genes: HBA-LCR (alpha-globin locus control region; plus strand), NPRL3 (NPR3 like, GATOR1 complex subunit; minus strand). Cytogenetic location: 16p13.3.
Variant type: single nucleotide variant.
Coding change: c.652C>T on transcript NM_001077350.3 (MANE Select); coding-DNA position 652, C replaced by T.
Protein change: p.Arg218Trp; replaces arginine 218 with tryptophan.
Molecular consequence: missense variant.
Genome position (GRCh38, 1-based): chr16:100,487, G>A on the plus strand (C>T on the coding strand, the complement: NPRL3 is on the minus strand). VCF-style: chr16-100487-G-A. GRCh37 (hg19) VCF-style: chr16-150485-G-A.
Other names: c.115C>T, p.Arg39Trp (NM_001039476.3); c.418C>T, p.Arg140Trp (NM_001243247.2); c.577C>T, p.Arg193Trp (NM_001243248.2, NM_001243249.2); short protein forms R140W, R193W, R218W, R39W.
Identifiers: ClinVar variation 773976 (VCV000773976.16), dbSNP rs201957188, ClinGen allele CA7769581.
Genomic context (GRCh38, chr16:100,487, plus strand): 5'-CATAGTGGATCTTGTGGGGCAGGCAGAAGCTCACCTCCAGCCAGCTGTTGATGTGAAGCC[G>A]AACTACGCCCGACGTGCACAGGCTGCAGAGAGTGGGCGCTGTTACCCGTTCACATAAACT-3'
Protein context (NP_001070818.1, residues 208-228): YDSLCTSGVV[Arg218Trp]LHINSWLEVS